The following is an entry in ClinVar:

NM_001018113.3(FANCB):c.1327-3del

Gene: FANCB (FA complementation group B; minus strand). Cytogenetic location: Xp22.2.
Variant type: Deletion.
Coding change: c.1327-3del on transcript NM_001018113.3 (MANE Select); 3 bases into the intron before coding-DNA position 1327, one base deleted (T; older notation c.1327-3delT).
Molecular consequence: intron variant.
Genome position (GRCh38, 1-based): chrX:14,850,677, A deleted on the plus strand (T on the coding strand, the reverse complement: FANCB is on the minus strand); the first of 10 consecutive A bases (chrX:14,850,677-14,850,686); deleting any one gives the same sequence. VCF-style (leftmost placement, unchanged base first): chrX-14850676-TA-T. GRCh37 (hg19) VCF-style: chrX-14868798-TA-T.
Other names: c.1327-3del (NM_001324162.2, NM_152633.4); c.1327-3delT (NM_001018113.1); c.1327-12del (NM_001018113.3).
Identifiers: ClinVar variation 93468 (VCV000093468.34), dbSNP rs202067682, ClinGen allele CA146992.

ClinVar aggregate classification (germline): Benign. Review status: criteria provided, multiple submitters, no conflicts (2 of 4 stars). 8 submissions from 8 submitters: Benign (7). 1 of the submissions does not count toward it. Last evaluated 2026-02-03.

Conditions:
FANCB-related disorder. Also called: FANCB-related condition.
Inborn genetic diseases. Identifiers: MedGen C0950123, MeSH D030342.
Hereditary cancer-predisposing syndrome. Also called: Hereditary neoplastic syndrome; Tumor predisposition; Neoplastic Syndromes, Hereditary; Hereditary Cancer Syndrome. Identifiers: Orphanet 140162, MedGen C0027672, MeSH D009386, MONDO:0015356.
Fanconi anemia (FA). Also called: Fanconi's anemia. Identifiers: Orphanet 84, MedGen C0015625, MeSH D005199, MONDO:0019391.
Fanconi anemia complementation group B (FANCB). Also called: FANCONI PANCYTOPENIA, TYPE 2; FANCB-Related Fanconi Anemia. Identifiers: Orphanet 84, MedGen C1845292, MONDO:0010351, OMIM 300514.

Submissions (17):

Labcorp Genetics (formerly Invitae), Labcorp
Classification: Benign for Fanconi anemia. Last evaluated: 2026-02-03. Review status: criteria provided, single submitter. Criteria: Invitae Variant Classification Sherloc (09022015). Collection method: clinical testing. Allele origin: germline.

Molecular Diagnostics Laboratory, Catalan Institute of Oncology
Classification: Benign for Hereditary cancer-predisposing syndrome. Last evaluated: 2025-07-09. Review status: criteria provided, single submitter. Criteria: ACMG Guidelines, 2015. Collection method: clinical testing. Allele origin: germline.
Comment: BA1, BP4 c.1327-3del, located in intron 6 close to a canonical splice site of the FANCB gene. The variant allele was found in 1643/14059 alleles (68 homozygous), with a filter allele frequency of 11.3% at 95% confidence, within the African population in the gnomAD v2.1.1 database (non-cancer dataset)(BA1). The SpliceAI algorithm predicts no significant impact on splicing (BP4). To our knowledge, functional studies have not been reported for this variant. In addition, this variant has been reported in ClinVar (9x benign) and in LOVD database (2x benign). Based on the currently available information, c.1327-3del is classified as a benign variant according to ACMG guidelines.

ARUP Laboratories, Molecular Genetics and Genomics, ARUP Laboratories
Classification: Benign for Fanconi anemia complementation group B. Last evaluated: 2025-01-13. Review status: criteria provided, single submitter. Criteria: ARUP Molecular Germline Variant Investigation Process 2024. Collection method: clinical testing. Allele origin: germline.

Sema4
Classification: Benign for Fanconi anemia. Last evaluated: 2019-12-09. Review status: criteria provided, single submitter. Criteria: Sema4 Curation Guidelines. Collection method: curation. Allele origin: germline.

GeneDx
Classification: Benign. Last evaluated: 2019-03-08. Review status: criteria provided, single submitter. Criteria: GeneDx Variant Classification Process June 2021. Collection method: clinical testing. Allele origin: germline. Affected: yes.

Ambry Genetics
Classification: Benign for Inborn genetic diseases. Last evaluated: 2014-11-24. Review status: criteria provided, single submitter. Criteria: Ambry Variant Classification Scheme 2023. Collection method: clinical testing. Allele origin: germline.

Eurofins Ntd Llc (ga)
Classification: Benign. Last evaluated: 2013-04-02. Review status: criteria provided, single submitter. Criteria: EGL Classification Definitions 2015. Collection method: clinical testing. Allele origin: germline. Observed: 1 variant allele, 1 hemizygote.

PreventionGenetics, part of Exact Sciences
Classification: Benign for FANCB-related condition. Last evaluated: 2024-07-01. Review status: no assertion criteria provided. Collection method: clinical testing. Allele origin: germline. Not counted in ClinVar's aggregate classification.
Comment: This variant is classified as benign based on ACMG/AMP sequence variant interpretation guidelines (Richards et al. 2015 PMID: 25741868, with internal and published modifications).

Dr. Peter K. Rogan Lab, Western University
No classification provided (evidence only). Condition: Familial cancer of breast. Review status: no classification provided. Collection method: in vitro. Allele origin: not applicable. Functional consequence: retained intron. Not counted in ClinVar's aggregate classification.

Dr. Peter K. Rogan Lab, Western University
No classification provided (evidence only). Condition: Malignant lymphoma, large B-cell, diffuse. Review status: no classification provided. Collection method: in vitro. Allele origin: not applicable. Functional consequence: retained intron. Not counted in ClinVar's aggregate classification.

Dr. Peter K. Rogan Lab, Western University
No classification provided (evidence only). Condition: Papillary renal cell carcinoma type 1. Review status: no classification provided. Collection method: in vitro. Allele origin: not applicable. Functional consequence: retained intron. Not counted in ClinVar's aggregate classification.

Dr. Peter K. Rogan Lab, Western University
No classification provided (evidence only). Condition: Papillary renal cell carcinoma type 1. Review status: no classification provided. Collection method: in vitro. Allele origin: not applicable. Functional consequence: retained intron. Not counted in ClinVar's aggregate classification.

Dr. Peter K. Rogan Lab, Western University
No classification provided (evidence only). Condition: Papillary renal cell carcinoma type 1. Review status: no classification provided. Collection method: in vitro. Allele origin: not applicable. Functional consequence: retained intron. Not counted in ClinVar's aggregate classification.

Dr. Peter K. Rogan Lab, Western University
No classification provided (evidence only). Condition: Colorectal cancer. Review status: no classification provided. Collection method: in vitro. Allele origin: not applicable. Functional consequence: retained intron. Not counted in ClinVar's aggregate classification.

Dr. Peter K. Rogan Lab, Western University
No classification provided (evidence only). Condition: Colorectal cancer. Review status: no classification provided. Collection method: in vitro. Allele origin: not applicable. Functional consequence: retained intron. Not counted in ClinVar's aggregate classification.

Dr. Peter K. Rogan Lab, Western University
No classification provided (evidence only). Condition: Colorectal cancer. Review status: no classification provided. Collection method: in vitro. Allele origin: not applicable. Functional consequence: retained intron. Not counted in ClinVar's aggregate classification.

Dr. Peter K. Rogan Lab, Western University
No classification provided (evidence only). Condition: Familial pancreatic carcinoma. Review status: no classification provided. Collection method: in vitro. Allele origin: not applicable. Functional consequence: retained intron. Not counted in ClinVar's aggregate classification.